The following is an entry in ClinVar:

NM_152281.3(GORAB):c.92C>T (p.Ala31Val)

Gene: GORAB (golgin, RAB6 interacting; plus strand). Cytogenetic location: 1q24.2.
Variant type: single nucleotide variant.
Coding change: c.92C>T on transcript NM_152281.3 (MANE Select); coding-DNA position 92, C replaced by T.
Protein change: p.Ala31Val; replaces alanine 31 with valine.
Molecular consequence: missense variant. On other transcripts: 5 prime UTR variant (1), non-coding transcript variant (1).
Genome position (GRCh38, 1-based): chr1:170,539,240, C>T. VCF-style: chr1-170539240-C-T. GRCh37 (hg19) VCF-style: chr1-170508381-C-T.
Other names: c.167C>T (NM_152281.2); c.92C>T, p.Ala31Val (NM_001146039.2); c.-374C>T (NM_001320252.2); short protein forms A31V.
Identifiers: ClinVar variation 1524665 (VCV001524665.5), dbSNP rs138420081, ClinGen allele CA1239041.

ClinVar aggregate classification (germline): Conflicting classifications of pathogenicity. Review status: criteria provided, conflicting classifications (1 of 4 stars). 3 submissions from 3 submitters: Uncertain significance (2); Likely benign (1). Last evaluated 2022-08-16.

Conditions:
Inborn genetic diseases. Identifiers: MedGen C0950123, MeSH D030342.

Allele frequency attached by ClinVar (database versions not stated): ExAC 0.00004; gnomAD exomes 0.00004 and 0.00007; gnomAD 0.00019 and 0.00023; TOPMed 0.00023; ESP Exome Variant Server 0.00031.
gnomAD v4.1: 85 of 1,614,084 alleles (0.0053%); highest among the groups gnomAD compares: African/African-American, 0.069%; no homozygotes.

Submissions (3):

Labcorp Genetics (formerly Invitae), Labcorp
Classification: Uncertain significance. Last evaluated: 2022-08-16. Review status: criteria provided, single submitter. Criteria: Invitae Variant Classification Sherloc (09022015). Collection method: clinical testing. Allele origin: germline.
Comment: This sequence change replaces alanine, which is neutral and non-polar, with valine, which is neutral and non-polar, at codon 56 of the GORAB protein (p.Ala56Val). This variant is present in population databases (rs138420081, gnomAD 0.07%). This variant has not been reported in the literature in individuals affected with GORAB-related conditions. ClinVar contains an entry for this variant (Variation ID: 1524665). Algorithms developed to predict the effect of missense changes on protein structure and function output the following: SIFT: "Tolerated"; PolyPhen-2: "Benign"; Align-GVGD: "Class C0". The valine amino acid residue is found in multiple mammalian species, which suggests that this missense change does not adversely affect protein function. In summary, the available evidence is currently insufficient to determine the role of this variant in disease. Therefore, it has been classified as a Variant of Uncertain Significance.

Ambry Genetics
Classification: Likely benign for Inborn genetic diseases. Last evaluated: 2022-05-10. Review status: criteria provided, single submitter. Criteria: Ambry Variant Classification Scheme 2023. Collection method: clinical testing. Allele origin: germline.

Breakthrough Genomics
Classification: Uncertain significance. Review status: criteria provided, single submitter. Criteria: ACMG Guidelines, 2015. Collection method: not provided. Allele origin: germline. Inheritance: Autosomal recessive inheritance. Affected: yes.